The following is an entry in ClinVar:

ClinVar aggregate classification (germline): Benign/Likely benign. Review status: criteria provided, multiple submitters, no conflicts (2 of 4 stars). 3 submissions from 3 submitters: Benign (2); Likely benign (1). Last evaluated 2025-06-05.

Conditions:
Progressive sclerosing poliodystrophy (MTDPS4A). Also called: Alpers-Huttenlocher Syndrome (AHS); Alpers Syndrome; ALPERS PROGRESSIVE INFANTILE POLIODYSTROPHY; Mitochondrial DNA depletion syndrome 4A (Alpers type); ALPERS DIFFUSE DEGENERATION OF CEREBRAL GRAY MATTER WITH HEPATIC CIRRHOSIS; Alpers-Huttenlocher Syndrome. Identifiers: Orphanet 726, MedGen C0205710, MONDO:0008758, OMIM 203700.

Allele frequency attached by ClinVar (database versions not stated): 1000 Genomes Project 0.00080; ExAC 0.00139; 1000 Genomes Project 30x 0.00141; ESP Exome Variant Server 0.00146; gnomAD 0.00157 and 0.00163; gnomAD exomes 0.00162 and 0.00224; TOPMed 0.00173.
gnomAD v4.1: 3,512 of 1,611,472 alleles (0.22%); highest among the groups gnomAD compares: Middle Eastern, 0.58%; 7 homozygotes.

Submissions (3):

Mayo Clinic Laboratories, Mayo Clinic
Classification: Likely benign. Last evaluated: 2025-06-05. Review status: criteria provided, single submitter. Criteria: ACMG Guidelines, 2015. Collection method: clinical testing. Allele origin: germline. Observed: 2 variant alleles.
Comment: BP4, BP7

Wong Mito Lab, Molecular and Human Genetics, Baylor College of Medicine
Classification: Benign for Progressive sclerosing poliodystrophy. Last evaluated: 2018-10-01. Review status: criteria provided, single submitter. Criteria: ACMG Guidelines, 2015. Collection method: clinical testing. Allele origin: germline.
Comment: The NM_002693.2:c.2426+27G>A (NP_002684.1:p.=) [GRCH38: NC_000015.10:g.89322715C>T] variant in POLG gene is interpretated to be a Benign based on ACMG guidelines (PMID: 25741868). This variant meets the following evidence codes reported in the ACMG-guideline. BS1:The minor allele frequency of this allele is high for Mitochondrial DNA depletion syndrome 4A (Alpers type). BS2:Observation of the variant in controls is inconsistent with penetrance of Mitochondrial DNA depletion syndrome 4A (Alpers type). BP4:Computational evidence/predictors indicate no impact on the POLG structure, function, or protein-protein interaction. Based on the evidence criteria codes applied, the variant is suggested to be Benign.

Breakthrough Genomics
Classification: Benign. Review status: criteria provided, single submitter. Criteria: ACMG Guidelines, 2015. Collection method: not provided. Allele origin: germline. Inheritance: Autosomal recessive inheritance. Affected: yes.

NM_002693.3(POLG):c.2426+27G>A

Gene: POLG (DNA polymerase gamma, catalytic subunit; minus strand). Cytogenetic location: 15q26.1.
Variant type: single nucleotide variant.
Coding change: c.2426+27G>A on transcript NM_002693.3 (MANE Select); 27 bases into the intron after coding-DNA position 2426, G replaced by A.
Molecular consequence: intron variant.
Genome position (GRCh38, 1-based): chr15:89,322,715, C>T on the plus strand (G>A on the coding strand, the complement: POLG is on the minus strand). VCF-style: chr15-89322715-C-T. GRCh37 (hg19) VCF-style: chr15-89865946-C-T.
Other names: p.?; c.2426+27G>A (NM_001126131.2).
Identifiers: ClinVar variation 619363 (VCV000619363.3), dbSNP rs72762657, ClinGen allele CA7724490.